The following is an entry in ClinVar:

ClinVar aggregate classification (germline): Likely benign (0 of 4 stars; one submission).

Conditions:
CSDE1-related disorder. Also called: CSDE1-related condition.

Allele frequency attached by ClinVar (database versions not stated): gnomAD 0.00001; gnomAD exomes 0.00001; TOPMed 0.00001; ExAC 0.00002.
gnomAD v4.1: 22 of 1,607,990 alleles (0.0014%); highest among the groups gnomAD compares: Middle Eastern, 0.016%; 1 homozygote.

Submission:

PreventionGenetics, part of Exact Sciences
Classification: Likely benign for CSDE1-related condition. Last evaluated: 2019-10-01. Review status: no assertion criteria provided. Collection method: clinical testing. Allele origin: germline.
Comment: This variant is classified as likely benign based on ACMG/AMP sequence variant interpretation guidelines (Richards et al. 2015 PMID: 25741868, with internal and published modifications).

NM_001007553.3(CSDE1):c.1623A>G (p.Glu541=)

Gene: CSDE1 (cold shock domain containing E1; minus strand). Cytogenetic location: 1p13.2.
Variant type: single nucleotide variant.
Coding change: c.1623A>G on transcript NM_001007553.3 (MANE Select); coding-DNA position 1623, A replaced by G.
Protein change: p.Glu541=; no amino-acid change (glutamic acid 541 retained).
Molecular consequence: synonymous variant.
Genome position (GRCh38, 1-based): chr1:114,726,228, T>C on the plus strand (A>G on the coding strand, the complement: CSDE1 is on the minus strand). VCF-style: chr1-114726228-T-C. GRCh37 (hg19) VCF-style: chr1-115268849-T-C.
Other names: c.1668A>G, p.Glu556= (NM_001130523.3); c.1761A>G, p.Glu587= (NM_001242891.2); c.1623A>G, p.Glu541= (NM_001242892.2); c.1530A>G, p.Glu510= (NM_001242893.2, NM_007158.6).
Identifiers: ClinVar variation 3044134 (VCV003044134.2), dbSNP rs749419444, ClinGen allele CA1021027.